The following is an entry in ClinVar:

NM_001039753.4(EML6):c.2421A>G (p.Glu807=)

Gene: EML6 (EMAP like 6; plus strand). Cytogenetic location: 2p16.1.
Variant type: single nucleotide variant.
Coding change: c.2421A>G on transcript NM_001039753.4 (MANE Select); coding-DNA position 2421, A replaced by G.
Protein change: p.Glu807=; no amino-acid change (glutamic acid 807 retained).
Molecular consequence: synonymous variant.
Genome position (GRCh38, 1-based): chr2:54,879,623, A>G. VCF-style: chr2-54879623-A-G. GRCh37 (hg19) VCF-style: chr2-55106760-A-G.
Identifiers: ClinVar variation 2650936 (VCV002650936.24), dbSNP rs191661637, ClinGen allele CA1662290.

ClinVar aggregate classification (germline): Likely benign (1 of 4 stars; one submission).

Allele frequency attached by ClinVar (database versions not stated): ESP Exome Variant Server 0.00066; ExAC 0.00087; 1000 Genomes Project 0.00120; TOPMed 0.00147; 1000 Genomes Project 30x 0.00156; gnomAD 0.00161; gnomAD exomes 0.00199.
gnomAD v4.1: 3,021 of 1,550,366 alleles (0.19%); highest among the groups gnomAD compares: Non-Finnish European, 0.24%; 7 homozygotes.

Submission:

CeGaT Center for Human Genetics Tuebingen
Classification: Likely benign. Last evaluated: 2022-03-01. Review status: criteria provided, single submitter. Criteria: CeGaT Center For Human Genetics Tuebingen Variant Classification Criteria Version 2. Collection method: clinical testing. Allele origin: germline. Affected: yes. Observed: 1 variant allele.
Comment: EML6: BP4, BP7